The following is an entry in ClinVar:

NM_020778.5(ALPK3):c.3377A>T (p.Gln1126Leu)

Gene: ALPK3 (alpha kinase 3; plus strand). Cytogenetic location: 15q25.3.
Variant type: single nucleotide variant.
Coding change: c.3377A>T on transcript NM_020778.5 (MANE Select); coding-DNA position 3377, A replaced by T.
Protein change: p.Gln1126Leu; replaces glutamine 1126 with leucine.
Molecular consequence: missense variant.
Genome position (GRCh38, 1-based): chr15:84,858,115, A>T. VCF-style: chr15-84858115-A-T. GRCh37 (hg19) VCF-style: chr15-85401346-A-T.
Other names: short protein forms Q1126L.
Identifiers: ClinVar variation 4613528 (VCV004613528.2).

ClinVar aggregate classification (germline): Uncertain significance. Review status: criteria provided, multiple submitters, no conflicts (2 of 4 stars). 2 submissions from 2 submitters: Uncertain significance (2). Last evaluated 2025-12-08.

Conditions:
Cardiovascular phenotype. Identifiers: MedGen CN230736.

gnomAD v4.1: 1 of 1,579,200 alleles (0.000063%); no homozygotes.

Submissions (2):

Labcorp Genetics (formerly Invitae), Labcorp
Classification: Uncertain significance. Last evaluated: 2025-12-08. Review status: criteria provided, single submitter. Criteria: Invitae Variant Classification Sherloc (09022015). Collection method: clinical testing. Allele origin: germline.
Comment: This sequence change replaces glutamine, which is neutral and polar, with leucine, which is neutral and non-polar, at codon 1328 of the ALPK3 protein (p.Gln1328Leu). This variant is not present in population databases (gnomAD no frequency). This variant has not been reported in the literature in individuals affected with ALPK3-related conditions. Invitae Evidence Modeling of protein sequence and biophysical properties (such as structural, functional, and spatial information, amino acid conservation, physicochemical variation, residue mobility, and thermodynamic stability) indicates that this missense variant is not expected to disrupt ALPK3 protein function with a negative predictive value of 80%. In summary, the available evidence is currently insufficient to determine the role of this variant in disease. Therefore, it has been classified as a Variant of Uncertain Significance.

Ambry Genetics
Classification: Uncertain significance for Cardiovascular phenotype. Last evaluated: 2025-10-28. Review status: criteria provided, single submitter. Criteria: Ambry Variant Classification Scheme 2023. Collection method: clinical testing. Allele origin: germline.